The following is an entry in ClinVar:

NM_000642.3(AGL):c.2740G>T (p.Glu914Ter)

Gene: AGL (amylo-alpha-1,6-glucosidase and 4-alpha-glucanotransferase; plus strand). Cytogenetic location: 1p21.2.
Variant type: single nucleotide variant.
Coding change: c.2740G>T on transcript NM_000642.3 (MANE Select); coding-DNA position 2740, G replaced by T.
Protein change: p.Glu914Ter; replaces glutamic acid 914 with a stop codon.
Molecular consequence: nonsense.
Genome position (GRCh38, 1-based): chr1:99,888,036, G>T. VCF-style: chr1-99888036-G-T. GRCh37 (hg19) VCF-style: chr1-100353592-G-T.
Other names: c.2740G>T, p.Glu914Ter (NM_000028.3, NM_000643.3, NM_000644.3 and 2 more transcripts); c.2692G>T, p.Glu898Ter (NM_000646.3); c.2539G>T, p.Glu847Ter (NM_001425327.1); c.2536G>T, p.Glu846Ter (NM_001425328.1); c.2401G>T, p.Glu801Ter (NM_001425329.1); c.2362G>T, p.Glu788Ter (NM_001425332.1); short protein forms E898*, E914*, E788*, E801*, E846*, E847*.
Identifiers: ClinVar variation 1726988 (VCV001726988.2), dbSNP rs2524699735, ClinGen allele CA341323025.
Genomic context (GRCh38, chr1:99,888,036, plus strand): 5'-AGTCTTGCCTCCAGATTAACTTTGGCTGAGCTAAATCAGATCCTTTACCGATGTGAATCA[G>T]AAGAAAAGGAAGATGGTGGAGGGTGCTATGACATACCAAACTGGTCAGCCCTTAAATATG-3'

ClinVar aggregate classification (germline): Likely pathogenic (1 of 4 stars; one submission).

Conditions:
Glycogen storage disease type III (GSD3). Also called: FORBES DISEASE; Cori disease. Identifiers: Orphanet 366, MedGen C0017922, MONDO:0009291, OMIM 232400.

Submission:

Myriad Genetics, Inc.
Classification: Likely pathogenic for Glycogen storage disease type III. Last evaluated: 2022-01-06. Review status: criteria provided, single submitter. Criteria: Myriad Women's Health Autosomal Recessive and X-Linked Classification Criteria (2021). Collection method: clinical testing. Allele origin: unknown.
Comment: NM_000642.2(AGL):c.2740G>T(E914*) is expected to be pathogenic in the context of glycogen storage disease type III. This variant is predicted to lead to an abnormal or absent protein product due to the creation of a premature termination codon in AGL, a gene where loss-of-function variants are known to be pathogenic. Please note: this variant was assessed in the context of healthy population screening.